The following is an entry in ClinVar:

ClinVar aggregate classification (germline): Uncertain significance (1 of 4 stars; one submission).

Allele frequency attached by ClinVar (database versions not stated): gnomAD exomes below 0.00001; TOPMed below 0.00001; gnomAD 0.00001.
gnomAD v4.1: 5 of 1,613,868 alleles (0.00031%); highest among the groups gnomAD compares: African/African-American, 0.0013%; no homozygotes.

Submission:

Labcorp Genetics (formerly Invitae), Labcorp
Classification: Uncertain significance. Last evaluated: 2022-06-14. Review status: criteria provided, single submitter. Criteria: Invitae Variant Classification Sherloc (09022015). Collection method: clinical testing. Allele origin: germline.
Comment: In summary, the available evidence is currently insufficient to determine the role of this variant in disease. Therefore, it has been classified as a Variant of Uncertain Significance. Algorithms developed to predict the effect of missense changes on protein structure and function (SIFT, PolyPhen-2, Align-GVGD) all suggest that this variant is likely to be disruptive. This variant has not been reported in the literature in individuals affected with EXTL3-related conditions. This variant is not present in population databases (gnomAD no frequency). This sequence change replaces arginine, which is basic and polar, with tryptophan, which is neutral and slightly polar, at codon 765 of the EXTL3 protein (p.Arg765Trp).

NM_001440.4(EXTL3):c.2293C>T (p.Arg765Trp)

Gene: EXTL3 (exostosin like glycosyltransferase 3; plus strand). Cytogenetic location: 8p21.1.
Variant type: single nucleotide variant.
Coding change: c.2293C>T on transcript NM_001440.4 (MANE Select); coding-DNA position 2293, C replaced by T.
Protein change: p.Arg765Trp; replaces arginine 765 with tryptophan.
Molecular consequence: missense variant. On other transcripts: non-coding transcript variant (1).
Genome position (GRCh38, 1-based): chr8:28,737,535, C>T. VCF-style: chr8-28737535-C-T. GRCh37 (hg19) VCF-style: chr8-28595052-C-T.
Other names: short protein forms R765W.
Identifiers: ClinVar variation 1990383 (VCV001990383.2), dbSNP rs1801677353, ClinGen allele CA370864280.